The following is an entry in ClinVar:

NM_004855.5(PIGB):c.163+5G>A

Genes: PIGB (phosphatidylinositol glycan anchor biosynthesis class B; plus strand), LOC130057105 (ATAC-STARR-seq lymphoblastoid active region 9444; plus strand). Cytogenetic location: 15q21.3.
Variant type: single nucleotide variant.
Coding change: c.163+5G>A on transcript NM_004855.5 (MANE Select); 5 bases into the intron after coding-DNA position 163, G replaced by A.
Molecular consequence: intron variant.
Genome position (GRCh38, 1-based): chr15:55,319,418, G>A. VCF-style: chr15-55319418-G-A. GRCh37 (hg19) VCF-style: chr15-55611616-G-A.
Identifiers: ClinVar variation 4527222 (VCV004527222.2).

ClinVar aggregate classification (germline): Uncertain significance. Review status: criteria provided, multiple submitters, no conflicts (2 of 4 stars). 2 submissions from 2 submitters: Uncertain significance (2). Last evaluated 2025-04-22.

gnomAD v4.1: 3 of 1,551,310 alleles (0.00019%); highest among the groups gnomAD compares: Admixed American, 0.0059%; no homozygotes.

Submissions (2):

GeneDx
Classification: Uncertain significance. Last evaluated: 2025-04-22. Review status: criteria provided, single submitter. Criteria: GeneDx Variant Classification Process June 2021. Collection method: clinical testing. Allele origin: germline. Affected: yes.
Comment: In silico analysis is inconclusive as to whether the variant alters gene splicing. In the absence of RNA/functional studies, the actual effect of this sequence change is unknown.; Has not been previously published as pathogenic or benign to our knowledge

Labcorp Genetics (formerly Invitae), Labcorp
Classification: Uncertain significance. Last evaluated: 2025-04-08. Review status: criteria provided, single submitter. Criteria: Invitae Variant Classification Sherloc (09022015). Collection method: clinical testing. Allele origin: germline.
Comment: This sequence change falls in intron 1 of the PIGB gene. It does not directly change the encoded amino acid sequence of the PIGB protein. It affects a nucleotide within the consensus splice site. This variant is present in population databases (no rsID available, gnomAD 0.01%). This variant has not been reported in the literature in individuals affected with PIGB-related conditions. Variants that disrupt the consensus splice site are a relatively common cause of aberrant splicing (PMID: 17576681, 9536098). Algorithms developed to predict the effect of sequence changes on RNA splicing suggest that this variant may disrupt the consensus splice site. In summary, the available evidence is currently insufficient to determine the role of this variant in disease. Therefore, it has been classified as a Variant of Uncertain Significance.

Literature cited by the submitters: PubMed 17576681 (cited by Labcorp Genetics (formerly Invitae), Labcorp); PubMed 9536098 (cited by Labcorp Genetics (formerly Invitae), Labcorp).